The following is an entry in ClinVar:

ClinVar aggregate classification (germline): Likely benign. Review status: criteria provided, multiple submitters, no conflicts (2 of 4 stars). 2 submissions from 2 submitters: Likely benign (2). Last evaluated 2025-11-19.

gnomAD v4.1: 14 of 1,209,580 alleles (0.0012%); highest among the groups gnomAD compares: African/African-American, 0.016%; no homozygotes.

Submissions (2):

Women's Health and Genetics/Laboratory Corporation of America, LabCorp
Classification: Likely benign. Last evaluated: 2025-11-19. Review status: criteria provided, single submitter. Criteria: LabCorp Variant Classification Summary - May 2015. Collection method: clinical testing. Allele origin: germline.

CeGaT Center for Human Genetics Tuebingen
Classification: Likely benign. Last evaluated: 2025-01-01. Review status: criteria provided, single submitter. Criteria: CeGaT Center For Human Genetics Tuebingen Variant Classification Criteria Version 2. Collection method: clinical testing. Allele origin: germline. Affected: yes. Observed: 1 variant allele.
Comment: ZMYM3: BP4, BP7

NM_201599.3(ZMYM3):c.1575C>T (p.Ser525=)

Gene: ZMYM3 (zinc finger MYM-type containing 3; minus strand). Cytogenetic location: Xq13.1.
Variant type: single nucleotide variant.
Coding change: c.1575C>T on transcript NM_201599.3 (MANE Select); coding-DNA position 1575, C replaced by T.
Protein change: p.Ser525=; no amino-acid change (serine 525 retained).
Molecular consequence: synonymous variant.
Genome position (GRCh38, 1-based): chrX:71,249,065, G>A on the plus strand (C>T on the coding strand, the complement: ZMYM3 is on the minus strand). VCF-style: chrX-71249065-G-A. GRCh37 (hg19) VCF-style: chrX-70468915-G-A.
Other names: c.1575C>T, p.Ser525= (NM_001171162.1, NM_005096.3).
Identifiers: ClinVar variation 3770922 (VCV003770922.13).